The following is an entry in ClinVar:

ClinVar aggregate classification (germline): Likely pathogenic. Review status: criteria provided, multiple submitters, no conflicts (2 of 4 stars). 6 submissions from 6 submitters: Likely pathogenic (4). 2 of the submissions do not count toward it. Last evaluated 2025-11-17.

Conditions:
RYR1-related disorder. Also called: RYR1-related condition; RYR1-related disorders. Identifiers: MedGen CN239331.
Congenital multicore myopathy with external ophthalmoplegia (CMYO1B). Also called: Minicore myopathy with external ophthalmoplegia; Congenital myopathy 1B, autosomal recessive; Minicore myopathy; MULTIMINICORE DISEASE WITH EXTERNAL OPHTHALMOPLEGIA; MULTICORE MYOPATHY. Identifiers: Orphanet 598, Orphanet 98905, MedGen C1850674, MONDO:0009712, OMIM 255320, HP:0003789.
Central core myopathy (CMYO1A). Also called: CONGENITAL MYOPATHY 1A, AUTOSOMAL DOMINANT, WITH SUSCEPTIBILITY TO MALIGNANT HYPERTHERMIA; Central core disease; Myopathy, central fibrillar. Identifiers: Orphanet 597, MedGen C5830701, MONDO:0007294, OMIM 117000.

Allele frequency attached by ClinVar (database versions not stated): gnomAD 0.00003; gnomAD exomes 0.00001 and below 0.00001.
gnomAD v4.1: 4 of 1,614,156 alleles (0.00025%); highest among the groups gnomAD compares: Admixed American, 0.0017%; no homozygotes.

Submissions (6):

3billion
Classification: Likely pathogenic for Central core myopathy. Last evaluated: 2025-11-17. Review status: criteria provided, single submitter. Criteria: ACMG Guidelines, 2015. Collection method: clinical testing. Allele origin: germline. Affected: yes.
Comment: The variant is observed at an extremely low frequency in the gnomAD v4.1.0 dataset (total allele frequency: <0.001%). Predicted Consequence/Location: Missense variant In silico tool predictions suggest damaging effect of the variant on gene or gene product [REVEL: 0.84 (>=0.6, sensitivity 0.68 and specificity 0.92); 3Cnet: 0.25 (> 0.75, sensitivity 0.96 and precision 0.92)]. The same nucleotide change resulting in the same amino acid change has been previously reported as pathogenic/likely pathogenic with strong evidence (ClinVar ID: VCV000081136 /PMID: 17376685). Therefore, this variant is classified as Likely pathogenic according to the recommendation of ACMG/AMP guideline.

First Genomix Gene Laboratory, Genetic Diagnostics Department
Classification: Likely pathogenic for Congenital multicore myopathy with external ophthalmoplegia. Last evaluated: 2025-06-04. Review status: criteria provided, single submitter. Criteria: ACMG Guidelines, 2015. Collection method: clinical testing. Allele origin: germline. Inheritance: Autosomal recessive inheritance. Affected: no. Observed: 1 variant allele.

Labcorp Genetics (formerly Invitae), Labcorp
Classification: Likely pathogenic for RYR1-related disorder. Last evaluated: 2024-07-19. Review status: criteria provided, single submitter. Criteria: Invitae Variant Classification Sherloc (09022015). Collection method: clinical testing. Allele origin: germline.
Comment: This sequence change replaces serine, which is neutral and polar, with leucine, which is neutral and non-polar, at codon 4112 of the RYR1 protein (p.Ser4112Leu). This variant is present in population databases (rs193922847, gnomAD 0.002%). This missense change has been observed in individual(s) with autosomal dominant congenital myopathy (PMID: 17376685). In at least one individual the variant was observed to be de novo. This variant is also known as S4113L. ClinVar contains an entry for this variant (Variation ID: 81136). Advanced modeling of protein sequence and biophysical properties (such as structural, functional, and spatial information, amino acid conservation, physicochemical variation, residue mobility, and thermodynamic stability) has been performed at Invitae for this missense variant, however the output from this modeling did not meet the statistical confidence thresholds required to predict the impact of this variant on RYR1 protein function. Experimental studies have shown that this missense change does not substantially affect RYR1 function (PMID: 27558158). In summary, the currently available evidence indicates that the variant is pathogenic, but additional data are needed to prove that conclusively. Therefore, this variant has been classified as Likely Pathogenic.

GeneDx
Classification: Likely pathogenic. Last evaluated: 2024-01-29. Review status: criteria provided, single submitter. Criteria: GeneDx Variant Classification Process June 2021. Collection method: clinical testing. Allele origin: germline. Affected: yes.
Comment: Not observed at significant frequency in large population cohorts (gnomAD); In silico analysis supports that this missense variant has a deleterious effect on protein structure/function; This variant is associated with the following publications: (PMID: 27558158, 17483490, 17376685)

RYR1 database
No classification provided. Review status: no classification provided. Collection method: not provided. Allele origin: unknown. Not counted in ClinVar's aggregate classification.

PreventionGenetics, part of Exact Sciences
Classification: Uncertain significance. Last evaluated: 2018-01-19. Review status: flagged submission. Criteria: ACMG Guidelines, 2015. Collection method: clinical testing. Allele origin: germline. Not counted in ClinVar's aggregate classification.
ClinVar note: Reason: Older claim that does not account for recent evidence

Literature cited by the submitters: PubMed 17376685 (cited by 3billion and Labcorp Genetics (formerly Invitae), Labcorp); PubMed 27558158 (cited by Labcorp Genetics (formerly Invitae), Labcorp).

NM_000540.3(RYR1):c.12335C>T (p.Ser4112Leu)

Gene: RYR1 (ryanodine receptor 1; plus strand). Cytogenetic location: 19q13.2.
Variant type: single nucleotide variant.
Coding change: c.12335C>T on transcript NM_000540.3 (MANE Select); coding-DNA position 12335, C replaced by T.
Protein change: p.Ser4112Leu; replaces serine 4112 with leucine.
Molecular consequence: missense variant.
Genome position (GRCh38, 1-based): chr19:38,561,165, C>T. VCF-style: chr19-38561165-C-T. GRCh37 (hg19) VCF-style: chr19-39051805-C-T.
Other names: c.12320C>T, p.Ser4107Leu (NM_001042723.2); short protein forms S4112L, S4107L.
Identifiers: ClinVar variation 81136 (VCV000081136.7), dbSNP rs193922847, ClinGen allele CA018591.
Genomic context (GRCh38, chr19:38,561,165, plus strand): 5'-GCCCCCAGGCCATGGACAGCCAGAAGCAGTTCAGCGGTCCAGAAATCCAGTTCCTGCTTT[C>T]GTGCTCCGAAGCGGATGAGAACGAAATGATCAACTGCGAAGAGTTCGCCAACCGCTTCCA-3'
Protein context (NP_000531.2, residues 4102-4122): FSGPEIQFLL[Ser4112Leu]CSEADENEMI